The following is an entry in ClinVar:

NM_144997.7(FLCN):c.396G>C (p.Glu132Asp)

Gene: FLCN (folliculin; minus strand). Cytogenetic location: 17p11.2.
Variant type: single nucleotide variant.
Coding change: c.396G>C on transcript NM_144997.7 (MANE Select); coding-DNA position 396, G replaced by C.
Protein change: p.Glu132Asp; replaces glutamic acid 132 with aspartic acid.
Molecular consequence: missense variant.
Genome position (GRCh38, 1-based): chr17:17,226,176, C>G on the plus strand (G>C on the coding strand, the complement: FLCN is on the minus strand). VCF-style: chr17-17226176-C-G. GRCh37 (hg19) VCF-style: chr17-17129490-C-G.
Other names: c.396G>C, p.Glu132Asp (NM_001353229.2, NM_001353230.2, NM_001353231.2 and 1 more transcripts); short protein forms E132D.
Identifiers: ClinVar variation 2447063 (VCV002447063.4), dbSNP rs1597612647, ClinGen allele CA398534671.
Genomic context (GRCh38, chr17:17,226,176, plus strand): 5'-CAGAGCACCTGGGAGCATGTGGGCTCCCACAGAGACAGGCTCTGTGGCCACAAGGCTCAC[C>G]TCACAGCTCAGGCTCCGGACACAGGCCTGGCGGACAATGCTGAAGAGCTGGGGGTGGCTG-3'
Protein context (NP_659434.2, residues 122-142): RQACVRSLSC[Glu132Asp]VCPGREGPIF

ClinVar aggregate classification (germline): Likely pathogenic (1 of 4 stars; one submission).

Conditions:
Hereditary cancer-predisposing syndrome. Also called: Tumor predisposition; Hereditary Cancer Syndrome; Hereditary neoplastic syndrome; Neoplastic Syndromes, Hereditary. Identifiers: Orphanet 140162, MedGen C0027672, MeSH D009386, MONDO:0015356.

Submission:

Ambry Genetics
Classification: Likely pathogenic for Hereditary cancer-predisposing syndrome. Last evaluated: 2026-05-06. Review status: criteria provided, single submitter. Criteria: Ambry Variant Classification Scheme 2023. Collection method: clinical testing. Allele origin: germline.
Comment: The c.396G>C variant (also known as p.E132D), located in coding exon 2 of the FLCN gene, results from a G to C substitution at nucleotide position 396. The amino acid change results in glutamic acid to aspartic acid at codon 132, an amino acid with highly similar properties. This alteration has been observed in at least one individual with a personal and/or family history that is consistent with FLCN-related disease (Ambry internal data). This change occurs in the last base pair of coding exon 2, which makes it likely to have some effect on normal mRNA splicing. This nucleotide position is highly conserved in available vertebrate species. In silico splice site analysis predicts that this alteration may weaken the native splice donor site. RNA studies have demonstrated that this variant results in abnormal splicing in the set of samples tested (Ambry internal data). This variant is considered to be rare based on population cohorts in the Genome Aggregation Database (gnomAD). Based on the majority of available evidence to date, this variant is likely to be pathogenic.